The following is an entry in ClinVar:

NM_001753.5(CAV1):c.200A>T (p.Asp67Val)

Gene: CAV1 (caveolin 1; plus strand). Cytogenetic location: 7q31.2.
Variant type: single nucleotide variant.
Coding change: c.200A>T on transcript NM_001753.5 (MANE Select); coding-DNA position 200, A replaced by T.
Protein change: p.Asp67Val; replaces aspartic acid 67 with valine.
Molecular consequence: missense variant.
Genome position (GRCh38, 1-based): chr7:116,558,950, A>T. VCF-style: chr7-116558950-A-T. GRCh37 (hg19) VCF-style: chr7-116199004-A-T.
Other names: c.107A>T, p.Asp36Val (NM_001172895.1, NM_001172896.2, NM_001172897.2); short protein forms D36V, D67V.
Identifiers: ClinVar variation 3827732 (VCV003827732.1).

ClinVar aggregate classification (germline): Uncertain significance (1 of 4 stars; one submission).

Conditions:
Inborn genetic diseases. Identifiers: MedGen C0950123, MeSH D030342.

gnomAD v4.1: 8 of 1,611,752 alleles (0.0005%); highest among the groups gnomAD compares: Non-Finnish European, 0.00068%; no homozygotes.

Submission:

Ambry Genetics
Classification: Uncertain significance for Inborn genetic diseases. Last evaluated: 2025-01-16. Review status: criteria provided, single submitter. Criteria: Ambry Variant Classification Scheme 2023. Collection method: clinical testing. Allele origin: germline.
Comment: The p.D67V variant (also known as c.200A>T), located in coding exon 3 of the CAV1 gene, results from an A to T substitution at nucleotide position 200. The aspartic acid at codon 67 is replaced by valine, an amino acid with highly dissimilar properties. This amino acid position is conserved. In addition, this alteration is predicted to be deleterious by in silico analysis. Based on the available evidence, the clinical significance of this variant remains unclear.